The following is an entry in ClinVar:

NM_007325.5(GRIA3):c.388C>T (p.Pro130Ser)

Gene: GRIA3 (glutamate ionotropic receptor AMPA type subunit 3; plus strand). Cytogenetic location: Xq25.
Variant type: single nucleotide variant.
Coding change: c.388C>T on transcript NM_007325.5 (MANE Select); coding-DNA position 388, C replaced by T.
Protein change: p.Pro130Ser; replaces proline 130 with serine.
Molecular consequence: missense variant.
Genome position (GRCh38, 1-based): chrX:123,253,422, C>T. VCF-style: chrX-123253422-C-T. GRCh37 (hg19) VCF-style: chrX-122387273-C-T.
Other names: c.388C>T, p.Pro130Ser (NM_000828.5); short protein forms P130S.
Identifiers: ClinVar variation 2097351 (VCV002097351.4), dbSNP rs2520692967, ClinGen allele CA414260397.

ClinVar aggregate classification (germline): Uncertain significance (1 of 4 stars; one submission).

Submission:

Labcorp Genetics (formerly Invitae), Labcorp
Classification: Uncertain significance. Last evaluated: 2022-03-07. Review status: criteria provided, single submitter. Criteria: Invitae Variant Classification Sherloc (09022015). Collection method: clinical testing. Allele origin: germline.
Comment: In summary, the available evidence is currently insufficient to determine the role of this variant in disease. Therefore, it has been classified as a Variant of Uncertain Significance. Advanced modeling of protein sequence and biophysical properties (such as structural, functional, and spatial information, amino acid conservation, physicochemical variation, residue mobility, and thermodynamic stability) performed at Invitae indicates that this missense variant is expected to disrupt GRIA3 protein function. This variant has not been reported in the literature in individuals affected with GRIA3-related conditions. This variant is not present in population databases (gnomAD no frequency). This sequence change replaces proline, which is neutral and non-polar, with serine, which is neutral and polar, at codon 130 of the GRIA3 protein (p.Pro130Ser).